The following is an entry in ClinVar:

NM_005560.6(LAMA5):c.11007G>A (p.Ala3669=)

Gene: LAMA5 (laminin subunit alpha 5; minus strand). Cytogenetic location: 20q13.33.
Variant type: single nucleotide variant.
Coding change: c.11007G>A on transcript NM_005560.6 (MANE Select); coding-DNA position 11007, G replaced by A.
Protein change: p.Ala3669=; no amino-acid change (alanine 3669 retained).
Molecular consequence: synonymous variant.
Genome position (GRCh38, 1-based): chr20:62,309,417, C>T on the plus strand (G>A on the coding strand, the complement: LAMA5 is on the minus strand). VCF-style: chr20-62309417-C-T. GRCh37 (hg19) VCF-style: chr20-60884473-C-T.
Other names: p.Ala3669=.
Identifiers: ClinVar variation 777608 (VCV000777608.16), dbSNP rs115306720, ClinGen allele CA9939484.

ClinVar aggregate classification (germline): Benign. Review status: criteria provided, multiple submitters, no conflicts (2 of 4 stars). 5 submissions from 5 submitters: Benign (4). 1 of the submissions does not count toward it. Last evaluated 2026-01-26.

Conditions:
LAMA5-related disorder. Also called: LAMA5-related condition; LAMA5-Related Disorders.

Allele frequency attached by ClinVar (database versions not stated): gnomAD exomes 0.00261 and 0.00687; ExAC 0.00971; gnomAD 0.02406 and 0.02561; ESP Exome Variant Server 0.02500; TOPMed 0.02807; 1000 Genomes Project 0.02855; 1000 Genomes Project 30x 0.02983.
gnomAD v4.1: 7,560 of 1,584,286 alleles (0.48%); highest among the groups gnomAD compares: African/African-American, 8.5%; 283 homozygotes.

Submissions (5):

Labcorp Genetics (formerly Invitae), Labcorp
Classification: Benign. Last evaluated: 2026-01-26. Review status: criteria provided, single submitter. Criteria: Invitae Variant Classification Sherloc (09022015). Collection method: clinical testing. Allele origin: germline.

Mayo Clinic Laboratories, Mayo Clinic
Classification: Benign. Last evaluated: 2023-04-10. Review status: criteria provided, single submitter. Criteria: ACMG Guidelines, 2015. Collection method: clinical testing. Allele origin: germline. Observed: 10 variant alleles.

GeneDx
Classification: Benign. Last evaluated: 2021-05-04. Review status: criteria provided, single submitter. Criteria: GeneDx Variant Classification Process June 2021. Collection method: clinical testing. Allele origin: germline. Affected: yes.

Breakthrough Genomics
Classification: Benign. Review status: criteria provided, single submitter. Criteria: ACMG Guidelines, 2015. Collection method: not provided. Allele origin: germline. Inheritance: Autosomal recessive inheritance. Affected: yes.

PreventionGenetics, part of Exact Sciences
Classification: Benign for LAMA5-related condition. Last evaluated: 2019-05-24. Review status: no assertion criteria provided. Collection method: clinical testing. Allele origin: germline. Not counted in ClinVar's aggregate classification.
Comment: This variant is classified as benign based on ACMG/AMP sequence variant interpretation guidelines (Richards et al. 2015 PMID: 25741868, with internal and published modifications).